The following is an entry in ClinVar:

ClinVar aggregate classification (germline): Likely pathogenic (1 of 4 stars; one submission).

Conditions:
Amelogenesis imperfecta (AI). Also called: Congenital enamel hypoplasia. Identifiers: Orphanet 88661, MedGen C0002452, MONDO:0019507, HP:0000705.

Submission:

Department Of Pediatric Dentistry, Peking University School And Hospital Of Stomatology
Classification: Likely pathogenic for Amelogenesis imperfecta. Last evaluated: 2023-05-20. Review status: criteria provided, single submitter. Criteria: ACMG Guidelines, 2015. Collection method: clinical testing. Allele origin: germline. Inheritance: Autosomal recessive inheritance. Affected: yes. Observed: 1 compound heterozygote.
Comment: Homozygous mutations in RELT have been reported to cause autosomal recessive AI. Multiple missense mutations have been reported to be associated with AI. The variant cosegregation with the disease in this family. The RELT variant (c.521T>G) is absent in the dbSNP database and the 1000 Genomes Project Consortium. It was predicted to be damaging by SIFT (0.001, Deleterious), Polyphen2_HDIV (0.999, Probably damaging), MutationTaster (0.99, Disease-causing) and CADD (score: 28.7). These nucleotide change in RELT were absent in 144 ethnically matched normal controls. Amino-acid alignment analysis revealed that the affected residues were highly conserved among different species.

Literature cited by the submitters: PubMed 30506946; PubMed 32052416.

NM_152222.2(RELT):c.521T>G (p.Leu174Arg)

Gene: RELT (RELT TNF receptor; plus strand). Cytogenetic location: 11q13.4.
Variant type: single nucleotide variant.
Coding change: c.521T>G on transcript NM_152222.2 (MANE Select); coding-DNA position 521, T replaced by G.
Protein change: p.Leu174Arg; replaces leucine 174 with arginine.
Molecular consequence: missense variant.
Genome position (GRCh38, 1-based): chr11:73,392,364, T>G. VCF-style: chr11-73392364-T-G. GRCh37 (hg19) VCF-style: chr11-73103409-T-G.
Other names: c.521T>G, p.Leu174Arg (NM_032871.4); short protein forms L174R.
Identifiers: ClinVar variation 2573118 (VCV002573118.2), dbSNP rs2496008939, ClinGen allele CA381802180.